The following is an entry in ClinVar:

NM_024577.4(SH3TC2):c.1300G>A (p.Ala434Thr)

Gene: SH3TC2 (SH3 domain and tetratricopeptide repeats 2; minus strand). Cytogenetic location: 5q32.
Variant type: single nucleotide variant.
Coding change: c.1300G>A on transcript NM_024577.4 (MANE Select); coding-DNA position 1300, G replaced by A.
Protein change: p.Ala434Thr; replaces alanine 434 with threonine.
Molecular consequence: missense variant.
Genome position (GRCh38, 1-based): chr5:149,028,432, C>T on the plus strand (G>A on the coding strand, the complement: SH3TC2 is on the minus strand). VCF-style: chr5-149028432-C-T. GRCh37 (hg19) VCF-style: chr5-148407995-C-T.
Other names: short protein forms A434T.
Identifiers: ClinVar variation 863016 (VCV000863016.9), dbSNP rs1368926236, ClinGen allele CA361669238.

ClinVar aggregate classification (germline): Uncertain significance (1 of 4 stars; one submission).

Conditions:
Charcot-Marie-Tooth disease type 4. Also called: Charcot-Marie-Tooth disease, type IV; Charcot-Marie-Tooth, Type 4. Identifiers: Orphanet 64749, MedGen C4082197, MONDO:0018995.

Allele frequency attached by ClinVar (database versions not stated): gnomAD exomes below 0.00001.
gnomAD v4.1: 1 of 1,613,392 alleles (0.000062%); no homozygotes.

Submission:

Labcorp Genetics (formerly Invitae), Labcorp
Classification: Uncertain significance for Charcot-Marie-Tooth disease type 4. Last evaluated: 2019-01-20. Review status: criteria provided, single submitter. Criteria: Invitae Variant Classification Sherloc (09022015). Collection method: clinical testing. Allele origin: germline.
Comment: This sequence change replaces alanine with threonine at codon 434 of the SH3TC2 protein (p.Ala434Thr). The alanine residue is highly conserved and there is a small physicochemical difference between alanine and threonine. This variant is not present in population databases (ExAC no frequency). This variant has not been reported in the literature in individuals with SH3TC2-related conditions. Algorithms developed to predict the effect of missense changes on protein structure and function (SIFT, PolyPhen-2, Align-GVGD) all suggest that this variant is likely to be tolerated, but these predictions have not been confirmed by published functional studies and their clinical significance is uncertain. In summary, the available evidence is currently insufficient to determine the role of this variant in disease. Therefore, it has been classified as a Variant of Uncertain Significance.